The following is an entry in ClinVar:

ClinVar aggregate classification (germline): Uncertain significance. Review status: criteria provided, multiple submitters, no conflicts (2 of 4 stars). 2 submissions from 2 submitters: Uncertain significance (2). Last evaluated 2026-03-04.

Conditions:
Inborn genetic diseases. Identifiers: MedGen C0950123, MeSH D030342.

Allele frequency attached by ClinVar (database versions not stated): gnomAD exomes below 0.00001; TOPMed below 0.00001; gnomAD 0.00001; ExAC 0.00002.
gnomAD v4.1: 4 of 1,613,706 alleles (0.00025%); highest among the groups gnomAD compares: Non-Finnish European, 0.00034%; no homozygotes.

Submissions (2):

GeneDx
Classification: Uncertain significance. Last evaluated: 2026-03-04. Review status: criteria provided, single submitter. Criteria: GeneDx Variant Classification Process June 2021. Collection method: clinical testing. Allele origin: germline.
Comment: Not observed at significant frequency in large population cohorts (gnomAD); In silico analysis supports that this missense variant has a deleterious effect on protein structure/function; Has not been previously published as pathogenic or benign to our knowledge

Ambry Genetics
Classification: Uncertain significance for Inborn genetic diseases. Last evaluated: 2023-03-02. Review status: criteria provided, single submitter. Criteria: Ambry Variant Classification Scheme 2023. Collection method: clinical testing. Allele origin: germline.

NM_001320198.2(KRT86):c.1169A>G (p.Gln390Arg)

Gene: KRT86 (keratin 86; plus strand). Cytogenetic location: 12q13.13.
Variant type: single nucleotide variant.
Coding change: c.1169A>G on transcript NM_001320198.2 (MANE Select); coding-DNA position 1169, A replaced by G.
Protein change: p.Gln390Arg; replaces glutamine 390 with arginine.
Molecular consequence: missense variant.
Genome position (GRCh38, 1-based): chr12:52,306,202, A>G. VCF-style: chr12-52306202-A-G. GRCh37 (hg19) VCF-style: chr12-52699986-A-G.
Other names: NM_002284.3:c.1169A>G; short protein forms Q390R.
Identifiers: ClinVar variation 2469427 (VCV002469427.3), dbSNP rs761921829, ClinGen allele CA6577095.